The following is an entry in ClinVar:

NM_018486.3(HDAC8):c.554T>C (p.Val185Ala)

Gene: HDAC8 (histone deacetylase 8; minus strand). Cytogenetic location: Xq13.1.
Variant type: single nucleotide variant.
Coding change: c.554T>C on transcript NM_018486.3 (MANE Select); coding-DNA position 554, T replaced by C.
Protein change: p.Val185Ala; replaces valine 185 with alanine.
Molecular consequence: missense variant. On other transcripts: non-coding transcript variant (1), intron variant (1).
Genome position (GRCh38, 1-based): chrX:72,491,003, A>G on the plus strand (T>C on the coding strand, the complement: HDAC8 is on the minus strand). VCF-style: chrX-72491003-A-G. GRCh37 (hg19) VCF-style: chrX-71710853-A-G.
Other names: c.281T>C, p.Val94Ala (NM_001166418.2); c.554T>C, p.Val185Ala (NM_001166419.2); c.278-1962T>C (NM_001166448.2); short protein forms V185A, V94A.
Identifiers: ClinVar variation 1313522 (VCV001313522.2), dbSNP rs2148131664, ClinGen allele CA413639639.

ClinVar aggregate classification (germline): Uncertain significance (1 of 4 stars; one submission).

Submission:

GeneDx
Classification: Uncertain significance. Last evaluated: 2020-10-26. Review status: criteria provided, single submitter. Criteria: GeneDx Variant Classification Process June 2021. Collection method: clinical testing. Allele origin: germline. Affected: yes.
Comment: Not observed in large population cohorts (Lek et al., 2016); In silico analysis supports that this missense variant has a deleterious effect on protein structure/function; Has not been previously published as pathogenic or benign to our knowledge